The following is an entry in ClinVar:

NM_001197104.2(KMT2A):c.11149G>A (p.Val3717Ile)

Genes: KMT2A (lysine methyltransferase 2A; plus strand), TTC36-AS1 (TTC36 and KMT2A antisense RNA 1; minus strand). Cytogenetic location: 11q23.3.
Variant type: single nucleotide variant.
Coding change: c.11149G>A on transcript NM_001197104.2 (MANE Select); coding-DNA position 11149, G replaced by A.
Protein change: p.Val3717Ile; replaces valine 3717 with isoleucine.
Molecular consequence: missense variant. On other transcripts: non-coding transcript variant (4).
Genome position (GRCh38, 1-based): chr11:118,519,620, G>A. VCF-style: chr11-118519620-G-A. GRCh37 (hg19) VCF-style: chr11-118390335-G-A.
Other names: c.11140G>A, p.Val3714Ile (NM_005933.4); short protein forms V3714I, V3717I.
Identifiers: ClinVar variation 1512888 (VCV001512888.8), dbSNP rs9332859, ClinGen allele CA6304925.

ClinVar aggregate classification (germline): Uncertain significance (1 of 4 stars; one submission).

Allele frequency attached by ClinVar (database versions not stated): TOPMed 0.00001; gnomAD exomes below 0.00001; ExAC 0.00001.
gnomAD v4.1: 3 of 1,611,704 alleles (0.00019%); highest among the groups gnomAD compares: Admixed American, 0.0017%; no homozygotes.

Submission:

Labcorp Genetics (formerly Invitae), Labcorp
Classification: Uncertain significance. Last evaluated: 2025-10-19. Review status: criteria provided, single submitter. Criteria: Invitae Variant Classification Sherloc (09022015). Collection method: clinical testing. Allele origin: germline.
Comment: This sequence change replaces valine, which is neutral and non-polar, with isoleucine, which is neutral and non-polar, at codon 3717 of the KMT2A protein (p.Val3717Ile). The frequency data for this variant in the population databases is considered unreliable, as metrics indicate poor data quality at this position in the gnomAD database. This variant has not been reported in the literature in individuals affected with KMT2A-related conditions. ClinVar contains an entry for this variant (Variation ID: 1512888). An algorithm developed to predict the effect of missense changes on protein structure and function (PolyPhen-2) suggests that this variant is likely to be disruptive. In summary, the available evidence is currently insufficient to determine the role of this variant in disease. Therefore, it has been classified as a Variant of Uncertain Significance.